The following is an entry in ClinVar:

ClinVar aggregate classification (germline): Uncertain significance (1 of 4 stars; one submission).

Conditions:
Baller-Gerold syndrome (BGS). Also called: CRANIOSYNOSTOSIS WITH RADIAL DEFECTS. Identifiers: Orphanet 1225, MedGen C0265308, MONDO:0009039, OMIM 218600.

Allele frequency attached by ClinVar (database versions not stated): gnomAD exomes below 0.00001.

Submission:

Labcorp Genetics (formerly Invitae), Labcorp
Classification: Uncertain significance for Baller-Gerold syndrome. Last evaluated: 2022-12-14. Review status: criteria provided, single submitter. Criteria: Invitae Variant Classification Sherloc (09022015). Collection method: clinical testing. Allele origin: germline.
Comment: This sequence change falls in intron 9 of the RECQL4 gene. It does not directly change the encoded amino acid sequence of the RECQL4 protein. It affects a nucleotide within the consensus splice site. In summary, the available evidence is currently insufficient to determine the role of this variant in disease. Therefore, it has been classified as a Variant of Uncertain Significance. Variants that disrupt the consensus splice site are a relatively common cause of aberrant splicing (PMID: 17576681, 9536098). Algorithms developed to predict the effect of sequence changes on RNA splicing suggest that this variant may disrupt the consensus splice site. ClinVar contains an entry for this variant (Variation ID: 661908). This variant has not been reported in the literature in individuals affected with RECQL4-related conditions. The frequency data for this variant in the population databases is considered unreliable, as metrics indicate poor data quality at this position in the gnomAD database.

Literature cited by the submitters: PubMed 17576681; PubMed 9536098.

NM_004260.4(RECQL4):c.1620+5G>A

Gene: RECQL4 (RecQ like helicase 4; minus strand). Cytogenetic location: 8q24.3.
Variant type: single nucleotide variant.
Coding change: c.1620+5G>A on transcript NM_004260.4 (MANE Select); 5 bases into the intron after coding-DNA position 1620, G replaced by A.
Molecular consequence: intron variant.
Genome position (GRCh38, 1-based): chr8:144,514,931, C>T on the plus strand (G>A on the coding strand, the complement: RECQL4 is on the minus strand). VCF-style: chr8-144514931-C-T. GRCh37 (hg19) VCF-style: chr8-145740315-C-T.
Identifiers: ClinVar variation 661908 (VCV000661908.5), dbSNP rs1375331593, ClinGen allele CA585833073.